The following is an entry in ClinVar:

ClinVar aggregate classification (germline): Uncertain significance. Review status: criteria provided, multiple submitters, no conflicts (2 of 4 stars). 7 submissions from 3 submitters: Uncertain significance (7). Last evaluated 2021-08-10.

Conditions:
Autosomal recessive limb-girdle muscular dystrophy type 2J (LGMDR10). Also called: MUSCULAR DYSTROPHY, LIMB-GIRDLE, AUTOSOMAL RECESSIVE 10; Limb-girdle muscular dystrophy, type 2J. Identifiers: Orphanet 140922, MedGen C1837342, MONDO:0012127, OMIM 608807.
Tibial muscular dystrophy (TMD). Also called: Tibial muscular dystrophy, tardive; Udd Distal Myopathy – Tibial Muscular Dystrophy; UDD MYOPATHY. Identifiers: Orphanet 609, MedGen C1838244, MONDO:0010870, OMIM 600334.
Myopathy, myofibrillar, 9, with early respiratory failure (MFM9). Also called: Myopathy, distal, with early respiratory failure, autosomal dominant; EDSTROM MYOPATHY; MYOPATHY, PROXIMAL, WITH EARLY RESPIRATORY MUSCLE INVOLVEMENT; Hereditary myopathy with early respiratory failure. Identifiers: Orphanet 178464, Orphanet 34521, MedGen C1863599, MONDO:0011362, OMIM 603689.
Dilated cardiomyopathy 1G (CMD1G). Identifiers: Orphanet 154, MedGen C1858763, MONDO:0011400, OMIM 604145.
Early-onset myopathy with fatal cardiomyopathy (CMYO5). Also called: CONGENITAL MYOPATHY 5 WITH CARDIOMYOPATHY; Salih Myopathy. Identifiers: Orphanet 289377, MedGen C2673677, MONDO:0012714, OMIM 611705. Disease mechanism: loss of function.
Hypertrophic cardiomyopathy 9. Also called: Familial hypertrophic cardiomyopathy 9. Identifiers: MedGen C1861065, MONDO:0013412, OMIM 613765.

Allele frequency attached by ClinVar (database versions not stated): gnomAD 0.00001; gnomAD exomes 0.00001; TOPMed 0.00001.
gnomAD v4.1: 14 of 1,612,924 alleles (0.00087%); highest among the groups gnomAD compares: Non-Finnish European, 0.0011%; no homozygotes.

Submissions (7):

Fulgent Genetics
Classification: Uncertain significance for Tibial muscular dystrophy; Myopathy, myofibrillar, 9, with early respiratory failure; Dilated cardiomyopathy 1G; Autosomal recessive limb-girdle muscular dystrophy type 2J; Early-onset myopathy with fatal cardiomyopathy; Hypertrophic cardiomyopathy 9. Last evaluated: 2021-08-10. Review status: criteria provided, single submitter. Criteria: ACMG Guidelines, 2015. Collection method: clinical testing. Allele origin: unknown.

Illumina Laboratory Services, Illumina
Classification: Uncertain significance for Autosomal recessive limb-girdle muscular dystrophy type 2J. Last evaluated: 2018-03-02. Review status: criteria provided, single submitter. Criteria: ICSL Variant Classification Criteria 13 December 2019. Collection method: clinical testing. Allele origin: germline.

Illumina Laboratory Services, Illumina
Classification: Uncertain significance for Early-onset myopathy with fatal cardiomyopathy. Last evaluated: 2018-03-02. Review status: criteria provided, single submitter. Criteria: ICSL Variant Classification Criteria 13 December 2019. Collection method: clinical testing. Allele origin: germline.

Illumina Laboratory Services, Illumina
Classification: Uncertain significance for Dilated cardiomyopathy 1G. Last evaluated: 2018-03-02. Review status: criteria provided, single submitter. Criteria: ICSL Variant Classification Criteria 13 December 2019. Collection method: clinical testing. Allele origin: germline.

Illumina Laboratory Services, Illumina
Classification: Uncertain significance for Tibial muscular dystrophy. Last evaluated: 2018-03-02. Review status: criteria provided, single submitter. Criteria: ICSL Variant Classification Criteria 13 December 2019. Collection method: clinical testing. Allele origin: germline.

Illumina Laboratory Services, Illumina
Classification: Uncertain significance for Myopathy, myofibrillar, 9, with early respiratory failure. Last evaluated: 2018-03-02. Review status: criteria provided, single submitter. Criteria: ICSL Variant Classification Criteria 13 December 2019. Collection method: clinical testing. Allele origin: germline.

Laboratory for Molecular Medicine, Mass General Brigham Personalized Medicine
Classification: Uncertain significance. Last evaluated: 2013-08-09. Review status: criteria provided, single submitter. Criteria: LMM Criteria. Collection method: clinical testing. Allele origin: germline. Observed: 1 variant allele.
Comment: The Lys16059Thr variant in TTN has not been reported in individuals with cardiom yopathy or in large population studies. Computational analyses (biochemical amin o acid properties, conservation, AlignGVGD, PolyPhen2, and SIFT) do not provide strong support for or against an impact to the protein. Additional information i s needed to fully assess the clinical significance of the Lys16059Thr variant.

NM_001267550.2(TTN):c.55880A>C (p.Lys18627Thr)

Genes: TTN (titin; minus strand), TTN-AS1 (TTN antisense RNA 1; plus strand). Cytogenetic location: 2q31.2.
Variant type: single nucleotide variant.
Coding change: c.55880A>C on transcript NM_001267550.2 (MANE Select); coding-DNA position 55880, A replaced by C.
Protein change: p.Lys18627Thr; replaces lysine 18627 with threonine.
Molecular consequence: missense variant.
Genome position (GRCh38, 1-based): chr2:178,601,024, T>G on the plus strand (A>C on the coding strand, the complement: TTN is on the minus strand). VCF-style: chr2-178601024-T-G. GRCh37 (hg19) VCF-style: chr2-179465751-T-G.
Other names: c.48176A>C, p.Lys16059Thr (NM_133378.4); c.50957A>C, p.Lys16986Thr (NM_001256850.1); c.28685A>C, p.Lys9562Thr (NM_003319.4); c.29060A>C, p.Lys9687Thr (NM_133432.3); c.29261A>C, p.Lys9754Thr (NM_133437.4); short protein forms K16059T, K18627T, K9754T, K16986T, K9562T, K9687T.
Identifiers: ClinVar variation 165963 (VCV000165963.10), dbSNP rs727503597, ClinGen allele CA178699.